The following is an entry in ClinVar:

ClinVar aggregate classification (germline): Pathogenic (1 of 4 stars; one submission).

Submission:

Labcorp Genetics (formerly Invitae), Labcorp
Classification: Pathogenic. Last evaluated: 2023-01-18. Review status: criteria provided, single submitter. Criteria: Invitae Variant Classification Sherloc (09022015). Collection method: clinical testing. Allele origin: germline.
Comment: This sequence change creates a premature translational stop signal (p.Arg21Alafs*58) in the ZNF469 gene. It is expected to result in an absent or disrupted protein product. Loss-of-function variants in ZNF469 are known to be pathogenic (PMID: 23642083, 23680354). This variant is not present in population databases (gnomAD no frequency). For these reasons, this variant has been classified as Pathogenic. This variant has not been reported in the literature in individuals affected with ZNF469-related conditions.

Literature cited by the submitters: PubMed 23642083; PubMed 23680354.

NM_001367624.2(ZNF469):c.61del (p.Arg21fs)

Gene: ZNF469 (zinc finger protein 469; plus strand). Cytogenetic location: 16q24.2.
Variant type: Deletion.
Coding change: c.61del on transcript NM_001367624.2 (MANE Select); coding-DNA position 61, one base deleted (C; older notation c.61delC).
Protein change: p.Arg21fs; shifts the reading frame from arginine 21.
Molecular consequence: frameshift variant.
Genome position (GRCh38, 1-based): chr16:88,427,531, C deleted; the last of 4 consecutive C bases (chr16:88,427,528-88,427,531); deleting any one gives the same sequence. VCF-style (leftmost placement, unchanged base first): chr16-88427527-GC-G. GRCh37 (hg19) VCF-style: chr16-88493935-GC-G.
Other names: short protein forms R21fs.
Identifiers: ClinVar variation 2829920 (VCV002829920.3), dbSNP rs2507569998, ClinGen allele CA2634824090.